The following is an entry in ClinVar:

ClinVar aggregate classification (germline): Conflicting classifications of pathogenicity. Review status: criteria provided, conflicting classifications (1 of 4 stars). 2 submissions from 2 submitters: Uncertain significance (1); Likely benign (1). Last evaluated 2025-11-06.

Conditions:
Immunodeficiency 66. Identifiers: MedGen C5394265, MONDO:0030013, OMIM 618847.

Allele frequency attached by ClinVar (database versions not stated): gnomAD exomes 0.00003 and 0.00008; TOPMed 0.00005; ExAC 0.00007; gnomAD 0.00008 and 0.00009.
gnomAD v4.1: 55 of 1,613,862 alleles (0.0034%); highest among the groups gnomAD compares: South Asian, 0.019%; no homozygotes.

Submissions (2):

Labcorp Genetics (formerly Invitae), Labcorp
Classification: Likely benign. Last evaluated: 2025-11-06. Review status: criteria provided, single submitter. Criteria: Invitae Variant Classification Sherloc (09022015). Collection method: clinical testing. Allele origin: germline.

Center for Genomics, Ann and Robert H. Lurie Children's Hospital of Chicago
Classification: Uncertain significance for Immunodeficiency 66. Last evaluated: 2021-07-16. Review status: criteria provided, single submitter. Criteria: ACMG Guidelines, 2015. Collection method: clinical testing. Allele origin: germline.
Comment: MRTFA NM_020831.4 exon 12 p.Thr660= (c.1980C>T):This variant has not been reported in the literature but is present in 0.01% (6/41434) of African alleles in the Genome Aggregation Database. Evolutionary conservation and computational predictive tools for this variant are limited or unavailable. Of note, this variant is a silent variant and does not change the amino acid, reducing the probability that this variant is disease causing. In summary, data on this variant is insufficient for disease classification. Therefore, the clinical significance of this variant is uncertain.

NM_020831.6(MRTFA):c.2280C>T (p.Thr760=)

Gene: MRTFA (myocardin related transcription factor A; minus strand). Cytogenetic location: 22q13.1.
Variant type: single nucleotide variant.
Coding change: c.2280C>T on transcript NM_020831.6 (MANE Select); coding-DNA position 2280, C replaced by T.
Protein change: p.Thr760=; no amino-acid change (threonine 760 retained).
Molecular consequence: synonymous variant.
Genome position (GRCh38, 1-based): chr22:40,418,458, G>A on the plus strand (C>T on the coding strand, the complement: MRTFA is on the minus strand). VCF-style: chr22-40418458-G-A. GRCh37 (hg19) VCF-style: chr22-40814462-G-A.
Other names: c.1980C>T, p.Thr660= (NM_001282660.2); c.2130C>T, p.Thr710= (NM_001282661.3); c.2280C>T, p.Thr760= (NM_001282662.3); c.2085C>T, p.Thr695= (NM_001318139.2).
Identifiers: ClinVar variation 1675102 (VCV001675102.9), dbSNP rs774753571, ClinGen allele CA10249386.